The following is an entry in ClinVar:

NM_000103.4(CYP19A1):c.596_597del (p.Thr198_Ser199insTer)

Genes: CYP19A1 (cytochrome P450 family 19 subfamily A member 1; minus strand), MIR4713HG (MIR4713 host gene; plus strand), PIRC66 (piwi-interacting RNA cluster 66; plus strand). Cytogenetic location: 15q21.2.
Variant type: Microsatellite.
Coding change: c.596_597del on transcript NM_000103.4 (MANE Select); coding-DNA positions 596 to 597, 2 bases deleted (CT; older notation c.596_597delCT).
Protein change: p.Thr198_Ser199insTer.
Molecular consequence: nonsense.
Genome position (GRCh38, 1-based): chr15:51,222,380-51,222,381, AG deleted on the plus strand (CT on the coding strand, the reverse complement: CYP19A1 is on the minus strand); deleting any 2 consecutive bases within chr15:51,222,380-51,222,383 gives the same sequence; the c. name uses the placement nearest the transcript's 3' end. VCF-style (leftmost placement, unchanged base first): chr15-51222379-TAG-T. GRCh37 (hg19) VCF-style: chr15-51514576-TAG-T.
Other names: c.596_597del, p.Thr198_Ser199insTer (NM_001347248.1, NM_001347249.2, NM_001347250.2 and 7 more transcripts).
Identifiers: ClinVar variation 1460269 (VCV001460269.6), dbSNP rs2141061879, ClinGen allele CA2580612797.

ClinVar aggregate classification (germline): Pathogenic (1 of 4 stars; one submission).

Submission:

Labcorp Genetics (formerly Invitae), Labcorp
Classification: Pathogenic. Last evaluated: 2021-08-17. Review status: criteria provided, single submitter. Criteria: Invitae Variant Classification Sherloc (09022015). Collection method: clinical testing. Allele origin: germline.
Comment: This sequence change creates a premature translational stop signal (p.Ser199*) in the CYP19A1 gene. It is expected to result in an absent or disrupted protein product. Loss-of-function variants in CYP19A1 are known to be pathogenic (PMID: 14602738, 27086564, 27256151). This variant is not present in population databases (ExAC no frequency). This variant has not been reported in the literature in individuals affected with CYP19A1-related conditions. For these reasons, this variant has been classified as Pathogenic.

Literature cited by the submitters: PubMed 14602738; PubMed 27086564; PubMed 27256151.